The following is an entry in ClinVar:

NM_001287.6(CLCN7):c.1372G>A (p.Glu458Lys)

Gene: CLCN7 (chloride voltage-gated channel 7; minus strand). Cytogenetic location: 16p13.3.
Variant type: single nucleotide variant.
Coding change: c.1372G>A on transcript NM_001287.6 (MANE Select); coding-DNA position 1372, G replaced by A.
Protein change: p.Glu458Lys; replaces glutamic acid 458 with lysine.
Molecular consequence: missense variant.
Genome position (GRCh38, 1-based): chr16:1,451,698, C>T on the plus strand (G>A on the coding strand, the complement: CLCN7 is on the minus strand). VCF-style: chr16-1451698-C-T. GRCh37 (hg19) VCF-style: chr16-1501699-C-T.
Other names: c.1300G>A, p.Glu434Lys (NM_001114331.3); short protein forms E434K, E458K.
Identifiers: ClinVar variation 1690891 (VCV001690891.7), dbSNP rs1396008150, ClinGen allele CA394188255.

ClinVar aggregate classification (germline): Uncertain significance. Review status: criteria provided, multiple submitters, no conflicts (2 of 4 stars). 2 submissions from 2 submitters: Uncertain significance (2). Last evaluated 2023-07-27.

Allele frequency attached by ClinVar (database versions not stated): gnomAD exomes below 0.00001.

Submissions (2):

Labcorp Genetics (formerly Invitae), Labcorp
Classification: Uncertain significance. Last evaluated: 2023-07-27. Review status: criteria provided, single submitter. Criteria: Invitae Variant Classification Sherloc (09022015). Collection method: clinical testing. Allele origin: germline.
Comment: ClinVar contains an entry for this variant (Variation ID: 1690891). In summary, the available evidence is currently insufficient to determine the role of this variant in disease. Therefore, it has been classified as a Variant of Uncertain Significance. An algorithm developed to predict the effect of missense changes on protein structure and function (PolyPhen-2) suggests that this variant is likely to be disruptive. This variant has not been reported in the literature in individuals affected with CLCN7-related conditions. This variant is not present in population databases (gnomAD no frequency). This sequence change replaces glutamic acid, which is acidic and polar, with lysine, which is basic and polar, at codon 458 of the CLCN7 protein (p.Glu458Lys).

Laboratorio de Genetica e Diagnostico Molecular, Hospital Israelita Albert Einstein
Classification: Uncertain significance. Last evaluated: 2020-06-02. Review status: criteria provided, single submitter. Criteria: ACMG Guidelines, 2015. Collection method: clinical testing. Allele origin: germline. Affected: yes.
Comment: ACMG classification criteria: PM2, PP3